The following is an entry in ClinVar:

NM_001003787.4(STRADA):c.808T>C (p.Cys270Arg)

Gene: STRADA (STE20 related adaptor alpha; minus strand). Cytogenetic location: 17q23.3.
Variant type: single nucleotide variant.
Coding change: c.808T>C on transcript NM_001003787.4 (MANE Select); coding-DNA position 808, T replaced by C.
Protein change: p.Cys270Arg; replaces cysteine 270 with arginine.
Molecular consequence: missense variant. On other transcripts: synonymous variant (1), non-coding transcript variant (1).
Genome position (GRCh38, 1-based): chr17:63,706,685, A>G on the plus strand (T>C on the coding strand, the complement: STRADA is on the minus strand). VCF-style: chr17-63706685-A-G. GRCh37 (hg19) VCF-style: chr17-61784045-A-G.
Other names: c.634T>C, p.Cys212Arg (NM_001003788.3, NM_001363790.1, NM_001363791.1); c.721T>C, p.Cys241Arg (NM_001165969.2, NM_001363787.1, NM_001411084.1); c.676T>C, p.Cys226Arg (NM_001165970.2); c.784T>C, p.Cys262Arg (NM_001363786.1); c.697T>C, p.Cys233Arg (NM_001003786.3, NM_001363789.1, NM_153335.6); c.808T>C, p.Cys270Arg (NM_001363788.1, NM_001411083.1); c.636T>C, p.Pro212= (NM_001411085.1); short protein forms C262R, C233R, C270R, C226R, C212R, C241R.
Identifiers: ClinVar variation 1949904 (VCV001949904.5), dbSNP rs2511066884, ClinGen allele CA400590778.

ClinVar aggregate classification (germline): Uncertain significance (1 of 4 stars; one submission).

Conditions:
Polyhydramnios, megalencephaly, and symptomatic epilepsy (PMSE). Also called: PMSE SYNDROME. Identifiers: Orphanet 500533, MedGen C1970203, MONDO:0012611, OMIM 611087.

Submission:

Labcorp Genetics (formerly Invitae), Labcorp
Classification: Uncertain significance for Polyhydramnios, megalencephaly, and symptomatic epilepsy. Last evaluated: 2022-08-19. Review status: criteria provided, single submitter. Criteria: Invitae Variant Classification Sherloc (09022015). Collection method: clinical testing. Allele origin: germline.
Comment: This variant is not present in population databases (gnomAD no frequency). In summary, the available evidence is currently insufficient to determine the role of this variant in disease. Therefore, it has been classified as a Variant of Uncertain Significance. Algorithms developed to predict the effect of missense changes on protein structure and function are either unavailable or do not agree on the potential impact of this missense change (SIFT: "Deleterious"; PolyPhen-2: "Possibly Damaging"; Align-GVGD: "Class C0"). This variant has not been reported in the literature in individuals affected with STRADA-related conditions. This sequence change replaces cysteine, which is neutral and slightly polar, with arginine, which is basic and polar, at codon 270 of the STRADA protein (p.Cys270Arg).